The following is an entry in ClinVar:

NM_004722.4(AP4M1):c.169A>G (p.Ile57Val)

Gene: AP4M1 (adaptor related protein complex 4 subunit mu 1; plus strand). Cytogenetic location: 7q22.1.
Variant type: single nucleotide variant.
Coding change: c.169A>G on transcript NM_004722.4 (MANE Select); coding-DNA position 169, A replaced by G.
Protein change: p.Ile57Val; replaces isoleucine 57 with valine.
Molecular consequence: missense variant.
Genome position (GRCh38, 1-based): chr7:100,102,696, A>G. VCF-style: chr7-100102696-A-G. GRCh37 (hg19) VCF-style: chr7-99700319-A-G.
Other names: c.190A>G, p.Ile64Val (NM_001363671.2); c.169A>G (NM_004722.3); short protein forms I57V, I64V.
Identifiers: ClinVar variation 2195107 (VCV002195107.5), dbSNP rs990091155, ClinGen allele CA163213396.

ClinVar aggregate classification (germline): Uncertain significance. Review status: criteria provided, multiple submitters, no conflicts (2 of 4 stars). 2 submissions from 2 submitters: Uncertain significance (2). Last evaluated 2025-07-16.

Conditions:
Hereditary spastic paraplegia 50 (SPG50). Also called: Spastic paraplegia 50, autosomal recessive. Identifiers: Orphanet 280763, MedGen C2752008, MONDO:0013048, OMIM 612936.
Inborn genetic diseases. Identifiers: MedGen C0950123, MeSH D030342.

Allele frequency attached by ClinVar (database versions not stated): TOPMed below 0.00001; gnomAD 0.00001; gnomAD exomes 0.00001.
gnomAD v4.1: 21 of 1,613,896 alleles (0.0013%); highest among the groups gnomAD compares: Non-Finnish European, 0.0016%; no homozygotes.

Submissions (2):

Ambry Genetics
Classification: Uncertain significance for Inborn genetic diseases. Last evaluated: 2025-07-16. Review status: criteria provided, single submitter. Criteria: Ambry Variant Classification Scheme 2023. Collection method: clinical testing. Allele origin: germline.

Labcorp Genetics (formerly Invitae), Labcorp
Classification: Uncertain significance for Hereditary spastic paraplegia 50. Last evaluated: 2025-01-27. Review status: criteria provided, single submitter. Criteria: Invitae Variant Classification Sherloc (09022015). Collection method: clinical testing. Allele origin: germline.
Comment: This sequence change replaces isoleucine, which is neutral and non-polar, with valine, which is neutral and non-polar, at codon 57 of the AP4M1 protein (p.Ile57Val). This variant is present in population databases (no rsID available, gnomAD 0.007%). This variant has not been reported in the literature in individuals affected with AP4M1-related conditions. ClinVar contains an entry for this variant (Variation ID: 2195107). Invitae Evidence Modeling of protein sequence and biophysical properties (such as structural, functional, and spatial information, amino acid conservation, physicochemical variation, residue mobility, and thermodynamic stability) indicates that this missense variant is not expected to disrupt AP4M1 protein function with a negative predictive value of 95%. In summary, the available evidence is currently insufficient to determine the role of this variant in disease. Therefore, it has been classified as a Variant of Uncertain Significance.